The following is an entry in ClinVar:

NM_001792.5(CDH2):c.134T>C (p.Leu45Ser)

Gene: CDH2 (cadherin 2; minus strand). Cytogenetic location: 18q12.1.
Variant type: single nucleotide variant.
Coding change: c.134T>C on transcript NM_001792.5 (MANE Select); coding-DNA position 134, T replaced by C.
Protein change: p.Leu45Ser; replaces leucine 45 with serine.
Molecular consequence: missense variant.
Genome position (GRCh38, 1-based): chr18:28,147,711, A>G on the plus strand (T>C on the coding strand, the complement: CDH2 is on the minus strand). VCF-style: chr18-28147711-A-G. GRCh37 (hg19) VCF-style: chr18-25727675-A-G.
Other names: short protein forms L45S.
Identifiers: ClinVar variation 2051143 (VCV002051143.4), dbSNP rs2510778265, ClinGen allele CA402244516.

ClinVar aggregate classification (germline): Uncertain significance (1 of 4 stars; one submission).

Submission:

Labcorp Genetics (formerly Invitae), Labcorp
Classification: Uncertain significance. Last evaluated: 2021-12-21. Review status: criteria provided, single submitter. Criteria: Invitae Variant Classification Sherloc (09022015). Collection method: clinical testing. Allele origin: germline.
Comment: Algorithms developed to predict the effect of missense changes on protein structure and function (SIFT, PolyPhen-2, Align-GVGD) all suggest that this variant is likely to be tolerated. In summary, the available evidence is currently insufficient to determine the role of this variant in disease. Therefore, it has been classified as a Variant of Uncertain Significance. This variant has not been reported in the literature in individuals affected with CDH2-related conditions. This variant is not present in population databases (gnomAD no frequency). This sequence change replaces leucine, which is neutral and non-polar, with serine, which is neutral and polar, at codon 45 of the CDH2 protein (p.Leu45Ser).